The following is an entry in ClinVar:

NM_153704.6(TMEM67):c.2241G>A (p.Gln747=)

Gene: TMEM67 (transmembrane protein 67; plus strand). Cytogenetic location: 8q22.1.
Variant type: single nucleotide variant.
Coding change: c.2241G>A on transcript NM_153704.6 (MANE Select); coding-DNA position 2241, G replaced by A.
Protein change: p.Gln747=; no amino-acid change (glutamine 747 retained).
Molecular consequence: synonymous variant. On other transcripts: non-coding transcript variant (1).
Genome position (GRCh38, 1-based): chr8:93,799,758, G>A. VCF-style: chr8-93799758-G-A. GRCh37 (hg19) VCF-style: chr8-94811986-G-A.
Other names: p.Gln747=; c.1998G>A, p.Gln666= (NM_001142301.1).
Identifiers: ClinVar variation 242363 (VCV000242363.51), dbSNP rs115563233, ClinGen allele CA4808233.

ClinVar aggregate classification (germline): Conflicting classifications of pathogenicity. Review status: criteria provided, conflicting classifications (1 of 4 stars). 12 submissions from 10 submitters: Uncertain significance (2); Benign (6); Likely benign (2). 2 of the submissions do not count toward it. Last evaluated 2026-06-26.

Conditions:
TMEM67-related disorder. Also called: TMEM67-related disorders; TMEM67-related condition. Identifiers: MedGen CN239423.
Kidney disorder. Also called: renal disease; Nephropathy; Kidney disease; Kidney Diseases; renal disorder. Identifiers: MedGen C0022658, MONDO:0005240, HP:0000112.
Nephronophthisis. Also called: Juvenile Nephronophthisis. Identifiers: Orphanet 655, MedGen C0687120, MONDO:0019005, HP:0000090.
Meckel-Gruber syndrome. Also called: GRUBER SYNDROME; DYSENCEPHALIA SPLANCHNOCYSTICA; Dysencephalia splachnocystica. Identifiers: Orphanet 564, MedGen C0265215, MONDO:0018921.
Joubert syndrome. Also called: JOUBERT-BOLTSHAUSER SYNDROME; Familial aplasia of the vermis. Identifiers: Orphanet 475, MedGen C5979921, MONDO:0018772.
Meckel syndrome, type 3 (MKS3). Also called: MECKEL-GRUBER SYNDROME, TYPE 3. Identifiers: Orphanet 564, MedGen C1846357, MONDO:0011821, OMIM 607361.
Joubert syndrome 6 (JBTS6). Identifiers: Orphanet 475, MedGen C1853153, MONDO:0012539, OMIM 610688.
Nephronophthisis 11 (NPHP11). Identifiers: Orphanet 84081, MedGen C3150796, MONDO:0013302, OMIM 613550.

Allele frequency attached by ClinVar (database versions not stated): gnomAD 0.00128 and 0.00140; ESP Exome Variant Server 0.00138; TOPMed 0.00144; gnomAD exomes 0.00186 and 0.00204; ExAC 0.00187; 1000 Genomes Project 30x 0.00203; 1000 Genomes Project 0.00220.
gnomAD v4.1: 3,198 of 1,612,412 alleles (0.2%); highest among the groups gnomAD compares: Middle Eastern, 0.78%; 13 homozygotes.

Submissions (18):

Women's Health and Genetics/Laboratory Corporation of America, LabCorp
Classification: Benign. Last evaluated: 2026-06-26. Review status: criteria provided, single submitter. Criteria: LabCorp Variant Classification Summary - May 2015. Collection method: clinical testing. Allele origin: germline.
Comment: Variant summary: TMEM67 c.2241G>A (p.Gln747Gln) alters a conserved nucleotide located close to a canonical splice site and therefore could affect mRNA splicing, leading to a significantly altered protein sequence. Computational tools predict a significant impact on normal splicing: Two predict the variant weakens a 5' donor site. One predicts the variant has no significant impact on splicing. However, these predictions have yet to be confirmed by functional studies. The variant allele was found at a frequency of 0.0019 in 251196 control chromosomes, predominantly at a frequency of 0.0055 within the South Asian subpopulation in the gnomAD database, including 2 homozygotes. The observed variant frequency within South Asian control individuals in the gnomAD database exceeds the estimated maximal expected allele frequency for disease-causing variants in TMEM67. ClinVar contains an entry for this variant (Variation ID: 242363). Based on the evidence outlined above, the variant was classified as benign.

CeGaT Center for Human Genetics Tuebingen
Classification: Benign. Last evaluated: 2026-04-01. Review status: criteria provided, single submitter. Criteria: CeGaT Center For Human Genetics Tuebingen Variant Classification Criteria Version 2. Collection method: clinical testing. Allele origin: germline. Affected: yes. Observed: 12 variant alleles.
Comment: TMEM67: PP3, BS1, BS2

Labcorp Genetics (formerly Invitae), Labcorp
Classification: Benign for Joubert syndrome; Meckel-Gruber syndrome. Last evaluated: 2026-02-03. Review status: criteria provided, single submitter. Criteria: Invitae Variant Classification Sherloc (09022015). Collection method: clinical testing. Allele origin: germline.

Mayo Clinic Laboratories, Mayo Clinic
Classification: Benign. Last evaluated: 2025-04-22. Review status: criteria provided, single submitter. Criteria: ACMG Guidelines, 2015. Collection method: clinical testing. Allele origin: germline. Observed: 2 variant alleles.
Comment: BS1, BS2

Blueprint Genetics
Classification: Likely benign. Last evaluated: 2024-11-21. Review status: criteria provided, single submitter. Criteria: ACMG Guidelines, 2015. Collection method: clinical testing. Allele origin: germline.

Eurofins Ntd Llc (ga)
Classification: Uncertain significance. Last evaluated: 2018-06-18. Review status: criteria provided, single submitter. Criteria: EGL ClinVar v180209 classification definitions. Collection method: clinical testing. Allele origin: germline. Observed: 4 variant alleles, 3 heterozygotes, 1 homozygote.

Illumina Laboratory Services, Illumina
Classification: Likely benign for Meckel syndrome, type 3. Last evaluated: 2017-06-01. Review status: criteria provided, single submitter. Criteria: ICSL Variant Classification Criteria 13 December 2019. Collection method: clinical testing. Allele origin: germline.
Comment: This variant was observed as part of a predisposition screen in an ostensibly healthy population. A literature search was performed for the gene, cDNA change, and amino acid change (where applicable). Publications were found based on this search. The evidence from the literature, in combination with allele frequency data from public databases where available, was sufficient to determine this variant is unlikely to cause disease. Therefore, this variant is classified as likely benign.

Illumina Laboratory Services, Illumina
Classification: Benign for Joubert syndrome 6. Last evaluated: 2017-06-01. Review status: criteria provided, single submitter. Criteria: ICSL Variant Classification Criteria 13 December 2019. Collection method: clinical testing. Allele origin: germline.
Comment: This variant was observed as part of a predisposition screen in an ostensibly healthy population. A literature search was performed for the gene, cDNA change, and amino acid change (where applicable). Publications were found based on this search. The evidence from the literature, in combination with allele frequency data from public databases where available, was sufficient to rule this variant out of causing disease. Therefore, this variant is classified as benign.

Illumina Laboratory Services, Illumina
Classification: Benign for Nephronophthisis 11. Last evaluated: 2017-06-01. Review status: criteria provided, single submitter. Criteria: ICSL Variant Classification Criteria 13 December 2019. Collection method: clinical testing. Allele origin: germline.
Comment: the same text as in the submission from Illumina Laboratory Services, Illumina above.

Genome Diagnostics Laboratory, The Hospital for Sick Children
Classification: Uncertain significance for Kidney disorder. Last evaluated: 2016-12-12. Review status: criteria provided, single submitter. Criteria: ACMG Guidelines, 2015. Collection method: clinical testing. Allele origin: germline.

PreventionGenetics, part of Exact Sciences
Classification: Likely benign for TMEM67-related condition. Last evaluated: 2024-08-12. Review status: no assertion criteria provided. Collection method: clinical testing. Allele origin: germline. Not counted in ClinVar's aggregate classification.
Comment: This variant is classified as likely benign based on ACMG/AMP sequence variant interpretation guidelines (Richards et al. 2015 PMID: 25741868, with internal and published modifications).

Dr. Peter K. Rogan Lab, Western University
No classification provided (evidence only). Condition: Clear cell carcinoma of kidney. Review status: no classification provided. Collection method: in vitro. Allele origin: not applicable. Functional consequence: retained intron. Not counted in ClinVar's aggregate classification.

Dr. Peter K. Rogan Lab, Western University
No classification provided (evidence only). Condition: Thyroid cancer, nonmedullary, 1. Review status: no classification provided. Collection method: in vitro. Allele origin: not applicable. Functional consequence: retained intron. Not counted in ClinVar's aggregate classification.

Dr. Peter K. Rogan Lab, Western University
No classification provided (evidence only). Condition: Cervical cancer. Review status: no classification provided. Collection method: in vitro. Allele origin: not applicable. Functional consequence: retained intron. Not counted in ClinVar's aggregate classification.

Dr. Peter K. Rogan Lab, Western University
No classification provided (evidence only). Condition: Nonpapillary renal cell carcinoma. Review status: no classification provided. Collection method: in vitro. Allele origin: not applicable. Functional consequence: retained intron. Not counted in ClinVar's aggregate classification.

Dr. Peter K. Rogan Lab, Western University
No classification provided (evidence only). Condition: Ovarian serous cystadenocarcinoma. Review status: no classification provided. Collection method: in vitro. Allele origin: not applicable. Functional consequence: retained intron. Not counted in ClinVar's aggregate classification.

Dr. Peter K. Rogan Lab, Western University
No classification provided (evidence only). Condition: Ovarian serous cystadenocarcinoma. Review status: no classification provided. Collection method: in vitro. Allele origin: not applicable. Functional consequence: retained intron. Not counted in ClinVar's aggregate classification.

GeneReviews
No classification provided. Condition: Nephronophthisis. Review status: no classification provided. Collection method: literature only. Allele origin: germline. Affected: yes. Not counted in ClinVar's aggregate classification.

Literature cited by the submitters: PubMed 32483926 (cited by Mayo Clinic Laboratories, Mayo Clinic); PubMed 17160906 (cited by Eurofins Ntd Llc (ga) and Illumina Laboratory Services, Illumina); PubMed 28289063 (cited by Illumina Laboratory Services, Illumina); PubMed 18327255 (cited by Illumina Laboratory Services, Illumina); NCBI Bookshelf NBK368475 (cited by GeneReviews).